The following is an entry in ClinVar:

ClinVar aggregate classification (germline): Uncertain significance. Review status: criteria provided, single submitter (1 of 4 stars). 2 submissions from 2 submitters: Uncertain significance (1). 1 of the submissions does not count toward it. Last evaluated 2022-09-01.

Conditions:
Autosomal recessive limb-girdle muscular dystrophy type 2B (LGMDR2). Also called: Limb-Girdle Muscular Dystrophy Type 2B (LGMD2B); Limb-girdle muscular dystrophy, type 2B; MUSCULAR DYSTROPHY, LIMB-GIRDLE, AUTOSOMAL RECESSIVE 2; MUSCULAR DYSTROPHY, LIMB-GIRDLE, TYPE 3. Identifiers: Orphanet 268, MedGen C1850889, MONDO:0009676, OMIM 253601.
Neuromuscular disease caused by qualitative or quantitative defects of dysferlin. Also called: Qualitative or quantitative defects of dysferlin; Dysferlinopathy. Identifiers: Orphanet 207073, MedGen C2931687, MONDO:0016145.

Allele frequency attached by ClinVar (database versions not stated): gnomAD exomes below 0.00001; TOPMed below 0.00001; ExAC 0.00002.
gnomAD v4.1: 5 of 1,614,096 alleles (0.00031%); highest among the groups gnomAD compares: Non-Finnish European, 0.00042%; no homozygotes.

Submissions (2):

Labcorp Genetics (formerly Invitae), Labcorp
Classification: Uncertain significance for Neuromuscular disease caused by qualitative or quantitative defects of dysferlin. Last evaluated: 2022-09-01. Review status: criteria provided, single submitter. Criteria: Invitae Variant Classification Sherloc (09022015). Collection method: clinical testing. Allele origin: germline.
Comment: This sequence change replaces valine, which is neutral and non-polar, with alanine, which is neutral and non-polar, at codon 1754 of the DYSF protein (p.Val1754Ala). This variant is present in population databases (rs753644501, gnomAD 0.0009%). This variant has not been reported in the literature in individuals affected with DYSF-related conditions. ClinVar contains an entry for this variant (Variation ID: 1025515). Advanced modeling of protein sequence and biophysical properties (such as structural, functional, and spatial information, amino acid conservation, physicochemical variation, residue mobility, and thermodynamic stability) performed at Invitae indicates that this missense variant is not expected to disrupt DYSF protein function. In summary, the available evidence is currently insufficient to determine the role of this variant in disease. Therefore, it has been classified as a Variant of Uncertain Significance.

Natera, Inc.
Classification: Uncertain significance for Limb-girdle muscular dystrophy type 2B. Last evaluated: 2020-05-26. Review status: no assertion criteria provided. Collection method: clinical testing. Allele origin: germline. Not counted in ClinVar's aggregate classification.

NM_001130987.2(DYSF):c.5378T>C (p.Val1793Ala)

Gene: DYSF (dysferlin; plus strand). Cytogenetic location: 2p13.2.
Variant type: single nucleotide variant.
Coding change: c.5378T>C on transcript NM_001130987.2 (MANE Select); coding-DNA position 5378, T replaced by C.
Protein change: p.Val1793Ala; replaces valine 1793 with alanine.
Molecular consequence: missense variant.
Genome position (GRCh38, 1-based): chr2:71,667,436, T>C. VCF-style: chr2-71667436-T-C. GRCh37 (hg19) VCF-style: chr2-71894566-T-C.
Other names: c.5264T>C, p.Val1755Ala (NM_001130455.2); c.5219T>C, p.Val1740Ala (NM_001130976.2); c.5282T>C, p.Val1761Ala (NM_001130977.2); c.5324T>C, p.Val1775Ala (NM_001130978.2); c.5354T>C, p.Val1785Ala (NM_001130979.2); c.5312T>C, p.Val1771Ala (NM_001130980.2); c.5375T>C, p.Val1792Ala (NM_001130981.2); c.5357T>C, p.Val1786Ala (NM_001130982.2); and 5 more; short protein forms V1740A, V1741A, V1754A, V1755A, V1761A, V1762A, V1771A, V1772A.
Identifiers: ClinVar variation 1025515 (VCV001025515.7), dbSNP rs753644501, ClinGen allele CA1707348.